The following is an entry in ClinVar:

ClinVar aggregate classification (germline): Benign. Review status: criteria provided, multiple submitters, no conflicts (2 of 4 stars). 2 submissions from 2 submitters: Benign (2). Last evaluated 2018-06-18.

Allele frequency attached by ClinVar (database versions not stated): gnomAD exomes 0.00847; gnomAD 0.08241 and 0.08767; TOPMed 0.09406; 1000 Genomes Project 0.09695; 1000 Genomes Project 30x 0.09886.
gnomAD v4.1: 15,519 of 812,724 alleles (1.9%); highest among the groups gnomAD compares: African/African-American, 28%; 1,514 homozygotes.

Submissions (2):

GeneDx
Classification: Benign. Last evaluated: 2018-06-18. Review status: criteria provided, single submitter. Criteria: GeneDx Variant Classification (06012015). Collection method: clinical testing. Allele origin: germline. Affected: yes.
Comment: This variant is considered likely benign or benign based on one or more of the following criteria: it is a conservative change, it occurs at a poorly conserved position in the protein, it is predicted to be benign by multiple in silico algorithms, and/or has population frequency not consistent with disease.

Breakthrough Genomics
Classification: Benign. Review status: criteria provided, single submitter. Criteria: ACMG Guidelines, 2015. Collection method: not provided. Allele origin: germline. Inheritance: Other. Affected: yes.

NM_003334.4(UBA1):c.2838+110C>T

Gene: UBA1 (ubiquitin like modifier activating enzyme 1; plus strand). Cytogenetic location: Xp11.3.
Variant type: single nucleotide variant.
Coding change: c.2838+110C>T on transcript NM_003334.4 (MANE Select); 110 bases into the intron after coding-DNA position 2838, C replaced by T.
Molecular consequence: intron variant.
Genome position (GRCh38, 1-based): chrX:47,213,291, C>T. VCF-style: chrX-47213291-C-T. GRCh37 (hg19) VCF-style: chrX-47072690-C-T.
Other names: c.2838+110C>T (NM_153280.3).
Identifiers: ClinVar variation 674457 (VCV000674457.2), dbSNP rs7053477, ClinGen allele CA329040747.